The following is an entry in ClinVar:

NM_170743.4(IFNLR1):c.670+9C>A

Gene: IFNLR1 (interferon lambda receptor 1; minus strand). Cytogenetic location: 1p36.11.
Variant type: single nucleotide variant.
Coding change: c.670+9C>A on transcript NM_170743.4 (MANE Select); 9 bases into the intron after coding-DNA position 670, C replaced by A.
Molecular consequence: intron variant.
Genome position (GRCh38, 1-based): chr1:24,159,465, G>T on the plus strand (C>A on the coding strand, the complement: IFNLR1 is on the minus strand). VCF-style: chr1-24159465-G-T. GRCh37 (hg19) VCF-style: chr1-24485955-G-T.
Other names: c.670+9C>A (NM_173065.3, NM_173064.3).
Identifiers: ClinVar variation 716043 (VCV000716043.5), dbSNP rs74060530, ClinGen allele CA689568.

ClinVar aggregate classification (germline): Benign. Review status: criteria provided, single submitter (1 of 4 stars). 2 submissions from 2 submitters: Benign (1). 1 of the submissions does not count toward it. Last evaluated 2018-07-31.

Conditions:
IFNLR1-related disorder. Also called: IFNLR1-related condition.

Allele frequency attached by ClinVar (database versions not stated): gnomAD exomes 0.00073 and 0.00196; ExAC 0.00234; gnomAD 0.00636 and 0.00685; 1000 Genomes Project 30x 0.00703; TOPMed 0.00741; 1000 Genomes Project 0.00779; ESP Exome Variant Server 0.00792.
gnomAD v4.1: 2,070 of 1,613,568 alleles (0.13%); highest among the groups gnomAD compares: African/African-American, 2.2%; 17 homozygotes.

Submissions (2):

Labcorp Genetics (formerly Invitae), Labcorp
Classification: Benign. Last evaluated: 2018-07-31. Review status: criteria provided, single submitter. Criteria: Invitae Variant Classification Sherloc (09022015). Collection method: clinical testing. Allele origin: germline.

PreventionGenetics, part of Exact Sciences
Classification: Benign for IFNLR1-related condition. Last evaluated: 2019-09-23. Review status: no assertion criteria provided. Collection method: clinical testing. Allele origin: germline. Not counted in ClinVar's aggregate classification.
Comment: This variant is classified as benign based on ACMG/AMP sequence variant interpretation guidelines (Richards et al. 2015 PMID: 25741868, with internal and published modifications).